The following is an entry in ClinVar:

NM_017763.6(RNF43):c.1956A>G (p.Pro652=)

Gene: RNF43 (ring finger protein 43; minus strand). Cytogenetic location: 17q22.
Variant type: single nucleotide variant.
Coding change: c.1956A>G on transcript NM_017763.6 (MANE Select); coding-DNA position 1956, A replaced by G.
Protein change: p.Pro652=; no amino-acid change (proline 652 retained).
Molecular consequence: synonymous variant.
Genome position (GRCh38, 1-based): chr17:58,357,820, T>C on the plus strand (A>G on the coding strand, the complement: RNF43 is on the minus strand). VCF-style: chr17-58357820-T-C. GRCh37 (hg19) VCF-style: chr17-56435181-T-C.
Other names: c.1956A>G, p.Pro652= (NM_001305544.3, NM_001438820.1, NM_001438821.1 and 1 more transcripts); c.1575A>G, p.Pro525= (NM_001305545.2, NM_001437987.1).
Identifiers: ClinVar variation 5042375 (VCV005042375.1).
Genomic context (GRCh38, chr17:58,357,820, plus strand): 5'-TGCATCCTGGGGCCGAGAGCCAGGGGTGGGCTCGGAGGGACCCCCCCGCCTTTTCCTCTG[T>C]GGGTGTCGGGCAGAGAGGCTGGATTTTTGCAAGTTGAACAGACTGCTGGTACTGGGGCAG-3'
Protein context (NP_060233.3, residues 642-662): LQKSSLSARH[Pro652=]QRKRRGGPSE

ClinVar aggregate classification (germline): Benign (1 of 4 stars; one submission).

Conditions:
Sessile serrated polyposis cancer syndrome (SSPCS). Identifiers: Orphanet 157798, MedGen C4310714, MONDO:0014919, OMIM 617108.

gnomAD v4.1: 1 of 1,613,962 alleles (0.000062%); highest among the groups gnomAD compares: Non-Finnish European, 0.000085%; no homozygotes.

Submission:

Myriad Genetics, Inc.
Classification: Benign for Sessile serrated polyposis cancer syndrome. Last evaluated: 2026-07-02. Review status: criteria provided, single submitter. Criteria: Myriad Autosomal Dominant, Autosomal Recessive and X-Linked Classification Criteria (2023). Collection method: clinical testing. Allele origin: unknown.
Comment: This variant is considered benign. This variant is a silent/synonymous amino acid change and it is not expected to impact splicing.